The following is an entry in ClinVar:

ClinVar aggregate classification (germline): Conflicting classifications of pathogenicity. Review status: criteria provided, conflicting classifications (1 of 4 stars). 3 submissions from 3 submitters: Pathogenic (1); Likely pathogenic (1); Uncertain significance (1). Last evaluated 2024-05-06.

Conditions:
Neurodevelopmental disorder with or without variable brain abnormalities; NEDBA. Also called: NEURODEVELOPMENTAL DISORDER WITH OR WITHOUT VARIABLE BRAIN ABNORMALITIES. Identifiers: MedGen C5193102, MONDO:0032755, OMIM 618443.

Submissions (4):

GeneDx
Classification: Pathogenic. Last evaluated: 2024-05-06. Review status: criteria provided, single submitter. Criteria: GeneDx Variant Classification Process June 2021. Collection method: clinical testing. Allele origin: germline. Affected: yes.
Comment: Not observed at significant frequency in large population cohorts (gnomAD); In silico analysis supports that this missense variant has a deleterious effect on protein structure/function; In silico analysis suggests this variant may impact gene splicing. In the absence of RNA/functional studies, the actual effect of this sequence change is unknown.; This variant is associated with the following publications: (PMID: 30612693, 36672771)

SIB Swiss Institute of Bioinformatics
Classification: Uncertain significance for Neurodevelopmental disorder with or without variable brain abnormalities; NEDBA. Last evaluated: 2019-10-02. Review status: criteria provided, single submitter. Criteria: ACMG Guidelines, 2015. Collection method: curation. Allele origin: unknown.
Comment: This variant is interpreted as a variant of uncertain significance for Neurodevelopmental disorder with or without variable brain abnormalities, autosomal dominant. The following ACMG Tag(s) were applied: PM2, PP3.

Institute of Human Genetics, University of Leipzig Medical Center
Classification: Likely pathogenic for Neurodevelopmental disorder with or without variable brain abnormalities; NEDBA. Last evaluated: 2019-02-07. Review status: criteria provided, single submitter. Criteria: ACMG Guidelines, 2015. Collection method: clinical testing. Allele origin: de novo. Affected: yes.
Comment: This variant was identified as de novo (maternity and paternity confirmed).

Dr. Peter K. Rogan Lab, Western University
No classification provided (evidence only). Condition: Uterine corpus endometrial carcinoma. Review status: no classification provided. Collection method: in vitro. Allele origin: not applicable. Functional consequence: retained intron. Not counted in ClinVar's aggregate classification.

Literature cited by the submitters: PubMed 30612693 (cited by SIB Swiss Institute of Bioinformatics and Institute of Human Genetics, University of Leipzig Medical Center).

NM_001318852.2(MAPK8IP3):c.1577G>A (p.Arg526Gln)

Gene: MAPK8IP3 (mitogen-activated protein kinase 8 interacting protein 3; plus strand). Cytogenetic location: 16p13.3.
Variant type: single nucleotide variant.
Coding change: c.1577G>A on transcript NM_001318852.2 (MANE Select); coding-DNA position 1577, G replaced by A.
Protein change: p.Arg526Gln; replaces arginine 526 with glutamine.
Molecular consequence: missense variant.
Genome position (GRCh38, 1-based): chr16:1,762,388, G>A. VCF-style: chr16-1762388-G-A. GRCh37 (hg19) VCF-style: chr16-1812389-G-A.
Other names: NC_000016.9:g.1812389G>A; c.1556G>A (NM_001040439.1); c.1556G>A, p.Arg519Gln (NM_001040439.2); c.1574G>A, p.Arg525Gln (NM_015133.5); short protein forms R525Q, R519Q, R526Q.
Identifiers: ClinVar variation 805863 (VCV000805863.5), dbSNP rs1596780112, ClinGen allele CA394232156.